The following is an entry in ClinVar:

NM_000053.4(ATP7B):c.2572A>G (p.Thr858Ala)

Gene: ATP7B (ATPase copper transporting beta; minus strand). Cytogenetic location: 13q14.3.
Variant type: single nucleotide variant.
Coding change: c.2572A>G on transcript NM_000053.4 (MANE Select); coding-DNA position 2572, A replaced by G.
Protein change: p.Thr858Ala; replaces threonine 858 with alanine.
Molecular consequence: missense variant.
Genome position (GRCh38, 1-based): chr13:51,950,275, T>C on the plus strand (A>G on the coding strand, the complement: ATP7B is on the minus strand). VCF-style: chr13-51950275-T-C. GRCh37 (hg19) VCF-style: chr13-52524411-T-C.
Other names: c.2086A>G, p.Thr696Ala (NM_001005918.3); c.2239A>G, p.Thr747Ala (NM_001243182.2); c.2338A>G, p.Thr780Ala (NM_001330578.2); c.2320A>G, p.Thr774Ala (NM_001330579.2); short protein forms T780A, T774A, T696A, T747A, T858A.
Identifiers: ClinVar variation 1501800 (VCV001501800.6), dbSNP rs2139220914, ClinGen allele CA388015660.

ClinVar aggregate classification (germline): Likely pathogenic (1 of 4 stars; one submission).

Conditions:
Wilson disease (WND). Also called: Wilson's disease. Identifiers: Orphanet 905, MedGen C0019202, MONDO:0010200, OMIM 277900. Disease mechanism: loss of function.

Submission:

Labcorp Genetics (formerly Invitae), Labcorp
Classification: Likely pathogenic for Wilson disease. Last evaluated: 2026-01-19. Review status: criteria provided, single submitter. Criteria: Invitae Variant Classification Sherloc (09022015). Collection method: clinical testing. Allele origin: germline.
Comment: This sequence change replaces threonine, which is neutral and polar, with alanine, which is neutral and non-polar, at codon 858 of the ATP7B protein (p.Thr858Ala). This variant is not present in population databases (gnomAD no frequency). This missense change has been observed in individual(s) with Wilson disease (PMID: 17949296, 19371217, 20082719). ClinVar contains an entry for this variant (Variation ID: 1501800). Invitae Evidence Modeling of protein sequence and biophysical properties (such as structural, functional, and spatial information, amino acid conservation, physicochemical variation, residue mobility, and thermodynamic stability) indicates that this missense variant is expected to disrupt ATP7B protein function with a positive predictive value of 80%. In summary, the currently available evidence indicates that the variant is pathogenic, but additional data are needed to prove that conclusively. Therefore, this variant has been classified as Likely Pathogenic.

Literature cited by the submitters: PubMed 17949296; PubMed 19371217; PubMed 20082719.